The following is an entry in ClinVar:

NM_002618.4(PEX13):c.307C>G (p.Leu103Val)

Gene: PEX13 (peroxisomal biogenesis factor 13; plus strand). Cytogenetic location: 2p15.
Variant type: single nucleotide variant.
Coding change: c.307C>G on transcript NM_002618.4 (MANE Select); coding-DNA position 307, C replaced by G.
Protein change: p.Leu103Val; replaces leucine 103 with valine.
Molecular consequence: missense variant.
Genome position (GRCh38, 1-based): chr2:61,031,633, C>G. VCF-style: chr2-61031633-C-G. GRCh37 (hg19) VCF-style: chr2-61258768-C-G.
Other names: short protein forms L103V.
Identifiers: ClinVar variation 1392691 (VCV001392691.8), dbSNP rs767987790, ClinGen allele CA346942065.

ClinVar aggregate classification (germline): Uncertain significance (1 of 4 stars; one submission).

Conditions:
Peroxisome biogenesis disorder 11A (Zellweger). Also called: Peroxisome biogenesis disorder 11A. Identifiers: Orphanet 912, MedGen C3554000, MONDO:0013949, OMIM 614883.

gnomAD v4.1: 1 of 1,614,038 alleles (0.000062%); highest among the groups gnomAD compares: Admixed American, 0.0017%; no homozygotes.

Submission:

Labcorp Genetics (formerly Invitae), Labcorp
Classification: Uncertain significance for Peroxisome biogenesis disorder 11A (Zellweger). Last evaluated: 2022-07-19. Review status: criteria provided, single submitter. Criteria: Invitae Variant Classification Sherloc (09022015). Collection method: clinical testing. Allele origin: germline.
Comment: Algorithms developed to predict the effect of missense changes on protein structure and function are either unavailable or do not agree on the potential impact of this missense change (SIFT: "Tolerated"; PolyPhen-2: "Possibly Damaging"; Align-GVGD: "Class C0"). In summary, the available evidence is currently insufficient to determine the role of this variant in disease. Therefore, it has been classified as a Variant of Uncertain Significance. Algorithms developed to predict the effect of sequence changes on RNA splicing suggest that this variant may create or strengthen a splice site. ClinVar contains an entry for this variant (Variation ID: 1392691). This variant has not been reported in the literature in individuals affected with PEX13-related conditions. This variant is present in population databases (no rsID available, gnomAD 0.003%). This sequence change replaces leucine, which is neutral and non-polar, with valine, which is neutral and non-polar, at codon 103 of the PEX13 protein (p.Leu103Val).